The following is an entry in ClinVar:

ClinVar aggregate classification (germline): Uncertain significance (1 of 4 stars; one submission).

Conditions:
Familial acute necrotizing encephalopathy (IIAE3). Also called: ENCEPHALOPATHY, ACUTE, INFECTION-INDUCED, SUSCEPTIBILITY TO, 3; Susceptibility to Acute Necrotizing Encephalopathy 1. Identifiers: Orphanet 88619, MedGen C2675556, MONDO:0011953, OMIM 608033.

Submission:

Labcorp Genetics (formerly Invitae), Labcorp
Classification: Uncertain significance for Familial acute necrotizing encephalopathy. Last evaluated: 2022-11-29. Review status: criteria provided, single submitter. Criteria: Invitae Variant Classification Sherloc (09022015). Collection method: clinical testing. Allele origin: germline.
Comment: In summary, the available evidence is currently insufficient to determine the role of this variant in disease. Therefore, it has been classified as a Variant of Uncertain Significance. Experimental studies and prediction algorithms are not available or were not evaluated, and the functional significance of this variant is currently unknown. ClinVar contains an entry for this variant (Variation ID: 1407084). This variant has not been reported in the literature in individuals affected with RANBP2-related conditions. The frequency data for this variant in the population databases is considered unreliable, as metrics indicate poor data quality at this position in the gnomAD database. This variant, c.7483_7506dup, results in the insertion of 8 amino acid(s) of the RANBP2 protein (p.Val2495_Glu2502dup), but otherwise preserves the integrity of the reading frame.

NM_006267.5(RANBP2):c.7483_7506dup (p.Val2495_Glu2502dup)

Gene: RANBP2 (RAN binding protein 2; plus strand). Cytogenetic location: 2q13.
Variant type: Duplication.
Coding change: c.7483_7506dup on transcript NM_006267.5 (MANE Select); coding-DNA positions 7483 to 7506, 24 bases duplicated (GTTGAAGTGTCTAGCACATCTGAA).
Protein change: p.Val2495_Glu2502dup.
Molecular consequence: inframe insertion.
Genome position (GRCh38, 1-based): chr2:108,768,022-108,768,045, GTTGAAGTGTCTAGCACATCTGAA duplicated; duplicating any 24 consecutive bases within chr2:108,768,019-108,768,045 gives the same sequence; the c. name uses the placement nearest the transcript's 3' end. VCF-style (leftmost placement, unchanged base first): chr2-108768018-A-AGAAGTTGAAGTGTCTAGCACATCT. GRCh37 (hg19) VCF-style: chr2-109384474-A-AGAAGTTGAAGTGTCTAGCACATCT.
Identifiers: ClinVar variation 1407084 (VCV001407084.9), dbSNP rs753506997, ClinGen allele CA1823602.